The following is an entry in ClinVar:

ClinVar aggregate classification (germline): Pathogenic (1 of 4 stars; one submission).

Conditions:
FRAXE. Also called: Fragile XE syndrome; FRAXE Syndrome; FRAXE intellectual disability; Intellectual developmental disorder, X-linked 109; Intellectual disability, X-linked, FRAXE type. Identifiers: Orphanet 100973, MedGen C0751157, MONDO:0010659, OMIM 309548. Disease mechanism: loss of function.

gnomAD v4.1: 1 of 1,210,514 alleles (0.000083%); highest among the groups gnomAD compares: African/African-American, 0.0017%; no homozygotes.

Submission:

Myriad Genetics, Inc.
Classification: Pathogenic for FRAXE. Last evaluated: 2025-02-28. Review status: criteria provided, single submitter. Criteria: Myriad Autosomal Dominant, Autosomal Recessive and X-Linked Classification Criteria (2023). Collection method: clinical testing. Allele origin: unknown.
Comment: NM_002025.3(AFF2):c.694G>T(E232*) is expected to be pathogenic in the context of fragile XE syndrome. This variant is predicted to lead to an abnormal or absent protein product due to the creation of a premature termination codon in AFF2, a gene where loss-of-function variants are known to be pathogenic. Please note: this variant was assessed in the context of healthy population screening.

NM_002025.4(AFF2):c.694G>T (p.Glu232Ter)

Gene: AFF2 (ALF transcription elongation factor 2; plus strand). Cytogenetic location: Xq28.
Variant type: single nucleotide variant.
Coding change: c.694G>T on transcript NM_002025.4 (MANE Select); coding-DNA position 694, G replaced by T.
Protein change: p.Glu232Ter; replaces glutamic acid 232 with a stop codon.
Molecular consequence: nonsense.
Genome position (GRCh38, 1-based): chrX:148,662,421, G>T. VCF-style: chrX-148662421-G-T. GRCh37 (hg19) VCF-style: chrX-147743942-G-T.
Other names: c.682G>T, p.Glu228Ter (NM_001169122.2, NM_001169123.2, NM_001169125.2); c.694G>T, p.Glu232Ter (NM_001169124.2); short protein forms E228*, E232*.
Identifiers: ClinVar variation 5014146 (VCV005014146.1).
Genomic context (GRCh38, chrX:148,662,421, plus strand): 5'-TCAAACCCATCTGCAAAGGAAGACAGTAACCCTAATTCTAGTGGAGAAGATGCTTTCAAA[G>T]AAATCTTTCAATCCAATTCACCGGAAGAATCTGAATTCGCCGTGCAAGCGCCTGGGTCTC-3'